The following is an entry in ClinVar:

NM_002692.4(POLE2):c.170-13A>G

Gene: POLE2 (DNA polymerase epsilon 2, accessory subunit; minus strand). Cytogenetic location: 14q21.3.
Variant type: single nucleotide variant.
Coding change: c.170-13A>G on transcript NM_002692.4 (MANE Select); 13 bases into the intron before coding-DNA position 170, A replaced by G.
Molecular consequence: intron variant.
Genome position (GRCh38, 1-based): chr14:49,679,813, T>C on the plus strand (A>G on the coding strand, the complement: POLE2 is on the minus strand). VCF-style: chr14-49679813-T-C. GRCh37 (hg19) VCF-style: chr14-50146531-T-C.
Other names: c.170-13A>G (NM_001197330.2, NM_001348384.2, NM_001197331.3); c.-66-13A>G (NM_001348385.2).
Identifiers: ClinVar variation 1925974 (VCV001925974.5), dbSNP rs373979618, ClinGen allele CA7173718.

ClinVar aggregate classification (germline): Uncertain significance (1 of 4 stars; one submission).

Allele frequency attached by ClinVar (database versions not stated): ExAC 0.00001; gnomAD 0.00001; gnomAD exomes 0.00001; TOPMed 0.00002; ESP Exome Variant Server 0.00008.
gnomAD v4.1: 13 of 1,519,892 alleles (0.00086%); highest among the groups gnomAD compares: Non-Finnish European, 0.0011%; no homozygotes.

Submission:

Labcorp Genetics (formerly Invitae), Labcorp
Classification: Uncertain significance. Last evaluated: 2025-07-20. Review status: criteria provided, single submitter. Criteria: Invitae Variant Classification Sherloc (09022015). Collection method: clinical testing. Allele origin: germline.
Comment: This sequence change falls in intron 2 of the POLE2 gene. It does not directly change the encoded amino acid sequence of the POLE2 protein. This variant is present in population databases (rs373979618, gnomAD 0.005%). This variant has not been reported in the literature in individuals affected with POLE2-related conditions. ClinVar contains an entry for this variant (Variation ID: 1925974). Algorithms developed to predict the effect of sequence changes on RNA splicing suggest that this variant may disrupt the consensus splice site. In summary, the available evidence is currently insufficient to determine the role of this variant in disease. Therefore, it has been classified as a Variant of Uncertain Significance.